The following is an entry in ClinVar:

NM_001007553.3(CSDE1):c.1522C>T (p.Arg508Ter)

Gene: CSDE1 (cold shock domain containing E1; minus strand). Cytogenetic location: 1p13.2.
Variant type: single nucleotide variant.
Coding change: c.1522C>T on transcript NM_001007553.3 (MANE Select); coding-DNA position 1522, C replaced by T.
Protein change: p.Arg508Ter; replaces arginine 508 with a stop codon.
Molecular consequence: nonsense.
Genome position (GRCh38, 1-based): chr1:114,726,329, G>A on the plus strand (C>T on the coding strand, the complement: CSDE1 is on the minus strand). VCF-style: chr1-114726329-G-A. GRCh37 (hg19) VCF-style: chr1-115268950-G-A.
Other names: c.1567C>T, p.Arg523Ter (NM_001130523.3); c.1660C>T, p.Arg554Ter (NM_001242891.2); c.1522C>T, p.Arg508Ter (NM_001242892.2); c.1429C>T, p.Arg477Ter (NM_001242893.2, NM_007158.6); short protein forms R477*, R508*, R523*, R554*.
Identifiers: ClinVar variation 4885254 (VCV004885254.2).

ClinVar aggregate classification (germline): Likely pathogenic (1 of 4 stars; one submission).

Submission:

Dasa
Classification: Likely pathogenic. Last evaluated: 2025-05-28. Review status: criteria provided, single submitter. Criteria: DASA Assertion Criteria. Collection method: clinical testing. Allele origin: germline.
Comment: NM_001007553.3(CSDE1):c.1522C>T (p.Arg508*) is a nonsense variant in CSDE1 predicted to introduce a premature termination codon and is predicted to result in an absent or altered protein product. Loss of function is an established disease mechanism for CSDE1-associated disorders. Published studies describe this variant in association with related phenotype (PMID: 31579823). Also, this variant is absent from population databases. Based on the currently available evidence, this variant is classified as likely pathogenic.

Literature cited by the submitters: PubMed 31579823.